The following is an entry in ClinVar:

ClinVar aggregate classification (germline): Pathogenic (1 of 4 stars; one submission).

Conditions:
Agammaglobulinemia 8, autosomal dominant (AGM8A). Also called: AGAMMAGLOBULINEMIA 8A, AUTOSOMAL DOMINANT; AGAMMAGLOBULINEMIA, AUTOSOMAL DOMINANT, DUE TO TCF3 DEFECT. Identifiers: MedGen C4310786, MONDO:0014840, OMIM 616941.

Submission:

Institute of Human Genetics, University of Leipzig Medical Center
Classification: Pathogenic for Agammaglobulinemia 8, autosomal dominant. Last evaluated: 2024-06-03. Review status: criteria provided, single submitter. Criteria: ACMG Guidelines, 2015. Collection method: clinical testing. Allele origin: paternal. Inheritance: Autosomal dominant inheritance. Affected: yes.
Comment: Criteria applied: PVS1,PM2

NM_003200.5(TCF3):c.1913C>G (p.Ser638Ter)

Gene: TCF3 (transcription factor 3; minus strand). Cytogenetic location: 19p13.3.
Variant type: single nucleotide variant.
Coding change: c.1913C>G on transcript NM_003200.5 (MANE Select); coding-DNA position 1913, C replaced by G.
Protein change: p.Ser638Ter; replaces serine 638 with a stop codon.
Molecular consequence: nonsense.
Genome position (GRCh38, 1-based): chr19:1,611,759, G>C on the plus strand (C>G on the coding strand, the complement: TCF3 is on the minus strand). VCF-style: chr19-1611759-G-C. GRCh37 (hg19) VCF-style: chr19-1611758-G-C.
Other names: c.1904C>G, p.Ser635Ter (NM_001136139.4, NM_001351779.2); c.1910C>G, p.Ser637Ter (NM_001351778.2); short protein forms S635*, S637*, S638*.
Identifiers: ClinVar variation 3359020 (VCV003359020.4).